The following is an entry in ClinVar:

ClinVar aggregate classification (germline): Uncertain significance. Review status: criteria provided, multiple submitters, no conflicts (2 of 4 stars). 2 submissions from 2 submitters: Uncertain significance (2). Last evaluated 2021-05-11.

Conditions:
Primary ciliary dyskinesia. Also called: Ciliary dyskinesia. Identifiers: Orphanet 244, MedGen C0008780, MONDO:0016575, HP:0012265.
Primary ciliary dyskinesia 9. Also called: CILIARY DYSKINESIA, PRIMARY, 9, WITH OR WITHOUT SITUS INVERSUS. Identifiers: Orphanet 244, MedGen C2676235, MONDO:0012906, OMIM 612444.

Submissions (2):

Ambry Genetics
Classification: Uncertain significance for Primary ciliary dyskinesia. Last evaluated: 2021-05-11. Review status: criteria provided, single submitter. Criteria: Ambry Variant Classification Scheme 2023. Collection method: clinical testing. Allele origin: germline.
Comment: The c.621_623delCAA variant (also known as p.N207del) is located in coding exon 5 of the DNAI2 gene. This variant results from an in-frame CAA deletion at nucleotide positions 621 to 623. This results in the in-frame deletion of an asparagine at codon 207. This amino acid position is highly conserved in available vertebrate species. In addition, this alteration is predicted to be deleterious by in silico analysis (Choi Y et al. PLoS ONE. 2012; 7(10):e46688). Since supporting evidence is limited at this time, the clinical significance of this alteration remains unclear.

Juno Genomics, Hangzhou Juno Genomics, Inc
Classification: Uncertain significance for Primary ciliary dyskinesia 9. Review status: criteria provided, single submitter. Criteria: ACMG Guidelines, 2015. Collection method: clinical testing. Allele origin: germline.
Comment: Absent from controls (or at extremely low frequency if recessive) in Genome Aggregation Database.;Protein length changes due to in-frame deletions/insertions in a non-repeat region or stop-loss variants.

NM_023036.6(DNAI2):c.618CAA[1] (p.Asn207del)

Gene: DNAI2 (dynein axonemal intermediate chain 2; plus strand). Cytogenetic location: 17q25.1.
Variant type: Microsatellite.
Coding change: c.618CAA[1] on transcript NM_023036.6 (MANE Select); one copy of the 3-base unit CAA starting at c.618; the reference has two copies in a row; one copy, 3 bases deleted; also written c.621_623del.
Protein change: p.Asn207del; deletes asparagine 207.
Molecular consequence: inframe deletion. On other transcripts: non-coding transcript variant (1).
Genome position (GRCh38, 1-based): chr17:74,291,030-74,291,032, CAA deleted; deleting any 3 consecutive bases within chr17:74,291,027-74,291,032 gives the same sequence; the position shown is the placement nearest the transcript's 3' end. VCF-style (leftmost placement, unchanged base first): chr17-74291026-CCAA-C. GRCh37 (hg19) VCF-style: chr17-72287165-CCAA-C.
Other names: c.618CAA[1], p.Asn207del (NM_001172810.3, NM_001353167.2); c.621_623del (NM_023036.6); short protein forms N207del.
Identifiers: ClinVar variation 1752216 (VCV001752216.4), dbSNP rs763228543, ClinGen allele CA8745433.